The following is an entry in ClinVar:

ClinVar aggregate classification (germline): Likely benign. Review status: criteria provided, single submitter (1 of 4 stars). 2 submissions from 2 submitters: Likely benign (1). 1 of the submissions does not count toward it. Last evaluated 2021-02-03.

Conditions:
SDCCAG8-related disorder. Also called: SDCCAG8-Related Disorders; SDCCAG8-related condition.

gnomAD v4.1: 3 of 1,613,548 alleles (0.00019%); highest among the groups gnomAD compares: Admixed American, 0.005%; no homozygotes.

Submissions (2):

Blueprint Genetics
Classification: Likely benign. Last evaluated: 2021-02-03. Review status: criteria provided, single submitter. Criteria: ACMG Guidelines, 2015. Collection method: clinical testing. Allele origin: germline.

PreventionGenetics, part of Exact Sciences
Classification: Likely benign for SDCCAG8-related condition. Last evaluated: 2022-03-14. Review status: no assertion criteria provided. Collection method: clinical testing. Allele origin: germline. Not counted in ClinVar's aggregate classification.
Comment: This variant is classified as likely benign based on ACMG/AMP sequence variant interpretation guidelines (Richards et al. 2015 PMID: 25741868, with internal and published modifications).

NM_006642.5(SDCCAG8):c.273A>G (p.Val91=)

Gene: SDCCAG8 (SHH signaling and ciliogenesis regulator SDCCAG8; plus strand). Cytogenetic location: 1q43.
Variant type: single nucleotide variant.
Coding change: c.273A>G on transcript NM_006642.5 (MANE Select); coding-DNA position 273, A replaced by G.
Protein change: p.Val91=; no amino-acid change (valine 91 retained).
Molecular consequence: synonymous variant. On other transcripts: 5 prime UTR variant (4).
Genome position (GRCh38, 1-based): chr1:243,271,030, A>G. VCF-style: chr1-243271030-A-G. GRCh37 (hg19) VCF-style: chr1-243434332-A-G.
Other names: c.-840A>G (NM_001350246.2); c.-728A>G (NM_001350247.2); c.273A>G, p.Val91= (NM_001350248.2); c.-22A>G (NM_001350249.2); c.-1101A>G (NM_001350251.2).
Identifiers: ClinVar variation 3355600 (VCV003355600.2).